The following is an entry in ClinVar:

ClinVar aggregate classification (germline): Uncertain significance (1 of 4 stars; one submission).

Allele frequency attached by ClinVar (database versions not stated): gnomAD exomes 0.00001; ExAC 0.00002; TOPMed 0.00003; gnomAD 0.00005; ESP Exome Variant Server 0.00008.
gnomAD v4.1: 20 of 1,602,912 alleles (0.0012%); highest among the groups gnomAD compares: African/African-American, 0.0093%; no homozygotes.

Submission:

Athena Diagnostics
Classification: Uncertain significance. Last evaluated: 2023-05-17. Review status: criteria provided, single submitter. Criteria: Athena Diagnostics Criteria. Collection method: clinical testing. Allele origin: unknown.
Comment: Available data are insufficient to determine the clinical significance of the variant at this time. The frequency of this variant in the general population is higher than would generally be expected for pathogenic variants in this gene. Computational tools disagree on the variant's effect on normal protein function.

NM_006946.4(SPTBN2):c.3166C>T (p.Arg1056Cys)

Gene: SPTBN2 (spectrin beta, non-erythrocytic 2; minus strand). Cytogenetic location: 11q13.2.
Variant type: single nucleotide variant.
Coding change: c.3166C>T on transcript NM_006946.4 (MANE Select); coding-DNA position 3166, C replaced by T.
Protein change: p.Arg1056Cys; replaces arginine 1056 with cysteine.
Molecular consequence: missense variant.
Genome position (GRCh38, 1-based): chr11:66,700,933, G>A on the plus strand (C>T on the coding strand, the complement: SPTBN2 is on the minus strand). VCF-style: chr11-66700933-G-A. GRCh37 (hg19) VCF-style: chr11-66468404-G-A.
Other names: c.3187C>T, p.Arg1063Cys (NM_001411025.1); short protein forms R1056C, R1063C.
Identifiers: ClinVar variation 2684349 (VCV002684349.1), dbSNP rs140481704, ClinGen allele CA6128921.